The following is an entry in ClinVar:

NC_000014.8:g.(?_93687728)_(95560403_?)del

Genes: ASB2 (ankyrin repeat and SOCS box containing 2; minus strand), BTBD7 (BTB domain containing 7; minus strand), COX8C (cytochrome c oxidase subunit 8C; plus strand), DDX24 (DEAD-box helicase 24; minus strand), DICER1 (dicer 1, ribonuclease III; minus strand) and 20 more. Cytogenetic location: 14q32.12-32.13.
Variant type: Deletion.
Identifiers: ClinVar variation 1348382 (VCV001348382.9).

ClinVar aggregate classification (germline): Likely pathogenic (1 of 4 stars; one submission).

Conditions:
DICER1-related tumor predisposition. Also called: DICER1 syndrome; DICER1-related pleuropulmonary blastoma cancer predisposition syndrome. Identifiers: Orphanet 284343, MedGen C3839822, MONDO:0100216.

Submission:

Labcorp Genetics (formerly Invitae), Labcorp
Classification: Likely pathogenic for DICER1-related tumor predisposition. Last evaluated: 2020-11-18. Review status: criteria provided, single submitter. Criteria: Invitae Variant Classification Sherloc (09022015). Collection method: clinical testing. Allele origin: germline.
Comment: In summary, the currently available evidence indicates that the variant is pathogenic, but additional data are needed to prove that conclusively. Therefore, this variant has been classified as Likely Pathogenic. This variant disrupts the p.Ser1814 amino acid residue in DICER1. Other variant(s) that disrupt this residue have been determined to be pathogenic (PMID: 26545620, 26555935, Invitae). This suggests that this residue is clinically significant, and that variants that disrupt this residue are likely to be disease-causing. This variant has not been reported in the literature in individuals with DICER1-related conditions. This variant results in the deletion of exon(s) 25-27 and part of exon 24 (c.5186_*1869107del) of the DICER1 gene. While this deletion is not anticipated to lead to nonsense mediated decay, it is expected to alter mRNA translation or result in a truncated protein product.

Literature cited by the submitters: PubMed 26545620; PubMed 26555935.